The following is an entry in ClinVar:

NM_201548.5(CERKL):c.1159+8G>A

Gene: CERKL (CERK like autophagy regulator; minus strand). Cytogenetic location: 2q31.3.
Variant type: single nucleotide variant.
Coding change: c.1159+8G>A on transcript NM_201548.5 (MANE Select); 8 bases into the intron after coding-DNA position 1159, G replaced by A.
Molecular consequence: intron variant.
Genome position (GRCh38, 1-based): chr2:181,547,814, C>T on the plus strand (G>A on the coding strand, the complement: CERKL is on the minus strand). VCF-style: chr2-181547814-C-T. GRCh37 (hg19) VCF-style: chr2-182412541-C-T.
Other names: c.820+8G>A (NM_001030312.3); c.1105+8G>A (NM_001160277.2); c.952+8G>A (NM_001030313.3); c.1237+8G>A (NM_001030311.3).
Identifiers: ClinVar variation 753824 (VCV000753824.15), dbSNP rs201778792, ClinGen allele CA2010524.

ClinVar aggregate classification (germline): Likely benign. Review status: criteria provided, multiple submitters, no conflicts (2 of 4 stars). 5 submissions from 5 submitters: Likely benign (3). 2 of the submissions do not count toward it. Last evaluated 2026-01-31.

Conditions:
Retinal dystrophy. Also called: Inherited retinal dystrophy. Identifiers: Orphanet 71862, MedGen C0854723, MeSH D058499, MONDO:0019118, HP:0000556.
Retinitis pigmentosa (RP). Identifiers: Orphanet 791, MedGen C0035334, MeSH D012174, MONDO:0019200, OMIM 268000. Inheritance: Autosomal dominant, autosomal recessive and X linked inheritance.
CERKL-related disorder. Also called: CERKL-related condition.

Allele frequency attached by ClinVar (database versions not stated): gnomAD 0.00004 and 0.00007; gnomAD exomes 0.00005 and 0.00015; TOPMed 0.00010; ExAC 0.00014; ESP Exome Variant Server 0.00023; 1000 Genomes Project 30x 0.00047; 1000 Genomes Project 0.00060.
gnomAD v4.1: 91 of 1,613,938 alleles (0.0056%); highest among the groups gnomAD compares: East Asian, 0.065%; no homozygotes.

Submissions (5):

Labcorp Genetics (formerly Invitae), Labcorp
Classification: Likely benign. Last evaluated: 2026-01-31. Review status: criteria provided, single submitter. Criteria: Invitae Variant Classification Sherloc (09022015). Collection method: clinical testing. Allele origin: germline.

PreventionGenetics, part of Exact Sciences
Classification: Likely benign for CERKL-related condition. Last evaluated: 2025-11-26. Review status: criteria provided, single submitter. Criteria: ACMG Guidelines, 2015. Collection method: clinical testing. Allele origin: germline.
Comment: This variant is classified as likely benign based on ACMG/AMP sequence variant interpretation guidelines (Richards et al. 2015 PMID: 25741868, with internal and published modifications).

Blueprint Genetics
Classification: Likely benign. Last evaluated: 2024-09-12. Review status: criteria provided, single submitter. Criteria: ACMG Guidelines, 2015. Collection method: clinical testing. Allele origin: germline.

Natera, Inc.
Classification: Likely benign for Retinitis pigmentosa. Last evaluated: 2020-01-08. Review status: no assertion criteria provided. Collection method: clinical testing. Allele origin: germline. Not counted in ClinVar's aggregate classification.

Institute of Human Genetics, Univ. Regensburg, Univ. Regensburg
Classification: Benign for Retinal dystrophy. Last evaluated: 2012-01-01. Review status: no assertion criteria provided. Criteria: ACMG Guidelines, 2015. Collection method: clinical testing. Allele origin: germline. Affected: yes. Not counted in ClinVar's aggregate classification.